The following is an entry in ClinVar:

ClinVar aggregate classification (germline): Uncertain significance (1 of 4 stars; one submission).

Conditions:
Progressive myoclonic epilepsy type 5. Identifiers: Orphanet 402082, MedGen C5190799.

Allele frequency attached by ClinVar (database versions not stated): gnomAD 0.00001; gnomAD exomes 0.00001 and 0.00002; TOPMed 0.00002; ExAC 0.00003.
gnomAD v4.1: 7 of 1,614,104 alleles (0.00043%); highest among the groups gnomAD compares: Admixed American, 0.0083%; no homozygotes.

Submission:

Labcorp Genetics (formerly Invitae), Labcorp
Classification: Uncertain significance for Progressive myoclonic epilepsy type 5. Last evaluated: 2022-06-03. Review status: criteria provided, single submitter. Criteria: Invitae Variant Classification Sherloc (09022015). Collection method: clinical testing. Allele origin: germline.
Comment: In summary, the available evidence is currently insufficient to determine the role of this variant in disease. Therefore, it has been classified as a Variant of Uncertain Significance. Algorithms developed to predict the effect of sequence changes on RNA splicing suggest that this variant may create or strengthen a splice site. Algorithms developed to predict the effect of missense changes on protein structure and function are either unavailable or do not agree on the potential impact of this missense change (SIFT: "Deleterious"; PolyPhen-2: "Benign"; Align-GVGD: "Class C0"). ClinVar contains an entry for this variant (Variation ID: 1449771). This variant has not been reported in the literature in individuals affected with PRICKLE2-related conditions. This variant is present in population databases (rs752000702, gnomAD 0.003%). This sequence change replaces glutamine, which is neutral and polar, with histidine, which is basic and polar, at codon 21 of the PRICKLE2 protein (p.Gln21His).

NM_198859.4(PRICKLE2):c.63G>C (p.Gln21His)

Genes: PRICKLE2 (prickle planar cell polarity protein 2; minus strand), PRICKLE2-AS3 (PRICKLE2 antisense RNA 3; plus strand). Cytogenetic location: 3p14.1.
Variant type: single nucleotide variant.
Coding change: c.63G>C on transcript NM_198859.4 (MANE Select); coding-DNA position 63, G replaced by C.
Protein change: p.Gln21His; replaces glutamine 21 with histidine.
Molecular consequence: missense variant. On other transcripts: non-coding transcript variant (1).
Genome position (GRCh38, 1-based): chr3:64,198,865, C>G on the plus strand (G>C on the coding strand, the complement: PRICKLE2 is on the minus strand). VCF-style: chr3-64198865-C-G. GRCh37 (hg19) VCF-style: chr3-64184541-C-G.
Other names: c.63G>C, p.Gln21His (NM_001370528.1); short protein forms Q21H.
Identifiers: ClinVar variation 1449771 (VCV001449771.8), dbSNP rs752000702, ClinGen allele CA2479930.